The following is an entry in ClinVar:

NM_024496.4(IRF2BPL):c.1396C>T (p.His466Tyr)

Gene: IRF2BPL (interferon regulatory factor 2 binding protein like; minus strand). Cytogenetic location: 14q24.3.
Variant type: single nucleotide variant.
Coding change: c.1396C>T on transcript NM_024496.4 (MANE Select); coding-DNA position 1396, C replaced by T.
Protein change: p.His466Tyr; replaces histidine 466 with tyrosine.
Molecular consequence: missense variant.
Genome position (GRCh38, 1-based): chr14:77,026,397, G>A on the plus strand (C>T on the coding strand, the complement: IRF2BPL is on the minus strand). VCF-style: chr14-77026397-G-A. GRCh37 (hg19) VCF-style: chr14-77492740-G-A.
Other names: short protein forms H466Y.
Identifiers: ClinVar variation 1678670 (VCV001678670.5), dbSNP rs749273166, ClinGen allele CA390494349.

ClinVar aggregate classification (germline): Uncertain significance (1 of 4 stars; one submission).

Submission:

GeneDx
Classification: Uncertain significance. Last evaluated: 2025-10-08. Review status: criteria provided, single submitter. Criteria: GeneDx Variant Classification Process June 2021. Collection method: clinical testing. Allele origin: germline. Affected: yes.
Comment: Not observed at significant frequency in large population cohorts (gnomAD); In silico analysis supports that this missense variant has a deleterious effect on protein structure/function; Has not been previously published as pathogenic or benign to our knowledge